The following is an entry in ClinVar:

NM_014694.4(ADAMTSL2):c.1773T>A (p.Cys591Ter)

Gene: ADAMTSL2 (ADAMTS like 2; plus strand). Cytogenetic location: 9q34.2.
Variant type: single nucleotide variant.
Coding change: c.1773T>A on transcript NM_014694.4 (MANE Select); coding-DNA position 1773, T replaced by A.
Protein change: p.Cys591Ter; replaces cysteine 591 with a stop codon.
Molecular consequence: nonsense.
Genome position (GRCh38, 1-based): chr9:133,566,961, T>A. VCF-style: chr9-133566961-T-A. GRCh37 (hg19) VCF-style: chr9-136432083-T-A.
Other names: c.1773T>A, p.Cys591Ter (NM_001145320.2); short protein forms C591*.
Identifiers: ClinVar variation 2633504 (VCV002633504.1), dbSNP rs2538210433, ClinGen allele CA375401339.

ClinVar aggregate classification (germline): Likely pathogenic (1 of 4 stars; one submission).

Conditions:
ADAMTSL2-related disorder. Also called: ADAMTSL2-related condition.

Submission:

PreventionGenetics, part of Exact Sciences
Classification: Likely pathogenic for ADAMTSL2-related condition. Last evaluated: 2023-03-31. Review status: criteria provided, single submitter. Criteria: ACMG Guidelines, 2015. Collection method: clinical testing. Allele origin: germline.
Comment: The ADAMTSL2 c.1773T>A variant is predicted to result in premature protein termination (p.Cys591*). To our knowledge, this variant has not been reported in the literature or in a large population database, indicating this variant is rare. Nonsense variants in ADAMTSL2 are expected to be pathogenic. This variant is interpreted as likely pathogenic.